The following is an entry in ClinVar:

ClinVar aggregate classification (germline): Uncertain significance. Review status: criteria provided, multiple submitters, no conflicts (2 of 4 stars). 3 submissions from 3 submitters: Uncertain significance (3). Last evaluated 2025-06-10.

Conditions:
Inborn genetic diseases. Identifiers: MedGen C0950123, MeSH D030342.
ZMIZ1-related disorder. Also called: ZMIZ1-related condition.

Submissions (3):

PreventionGenetics, part of Exact Sciences
Classification: Uncertain significance for ZMIZ1-related condition. Last evaluated: 2025-06-10. Review status: criteria provided, single submitter. Criteria: ACMG Guidelines, 2015. Collection method: clinical testing. Allele origin: germline.
Comment: The ZMIZ1 c.957G>A variant is not predicted to result in an amino acid change (p.=). This variant is predicted to alter splicing based on available splicing prediction software (SpliceAI, Jaganathan et al. 2019. PubMed ID: 30661751). However, the use of computer prediction softwares is not equivalent to functional evidence. To our knowledge, this variant has not been reported in the literature or in a large population database (gnomAD), indicating this variant is rare. At this time, the clinical significance of this variant is uncertain due to the absence of conclusive functional and genetic evidence.

Greenwood Genetic Center Diagnostic Laboratories, Greenwood Genetic Center
Classification: Uncertain significance. Last evaluated: 2022-11-29. Review status: criteria provided, single submitter. Criteria: ACMG Guidelines, 2015. Collection method: clinical testing. Allele origin: germline. Affected: yes.
Comment: PM2, PP3

Ambry Genetics
Classification: Uncertain significance for Inborn genetic diseases. Last evaluated: 2019-01-21. Review status: criteria provided, single submitter. Criteria: Ambry exome assertion method (8-5-2015). Collection method: clinical testing. Allele origin: germline. Affected: yes. Observed: 1 variant allele.

NM_020338.4(ZMIZ1):c.957G>A (p.Pro319=)

Gene: ZMIZ1 (zinc finger MIZ-type containing 1; plus strand). Cytogenetic location: 10q22.3.
Variant type: single nucleotide variant.
Coding change: c.957G>A on transcript NM_020338.4 (MANE Select); coding-DNA position 957, G replaced by A.
Protein change: p.Pro319=; no amino-acid change (proline 319 retained).
Molecular consequence: synonymous variant.
Genome position (GRCh38, 1-based): chr10:79,292,356, G>A. VCF-style: chr10-79292356-G-A. GRCh37 (hg19) VCF-style: chr10-81052113-G-A.
Identifiers: ClinVar variation 985524 (VCV000985524.8), dbSNP rs1853552678, ClinGen allele CA470393041.
Genomic context (GRCh38, chr10:79,292,356, plus strand): 5'-CACGGCCACTGTGGCAGCCCTGCAGGAGACACAGAACAAGGATATAAACCAGTATGGACC[G>A]GTAAGGGTTCCCACTAATCCTGGTCCAGCCTTGCCCAGCCAGCCAGGCAGACAGCCCTGG-3'
Protein context (NP_065071.1, residues 309-329): TQNKDINQYG[Pro319=]MGPTQAYNSQ